The following is an entry in ClinVar:

ClinVar aggregate classification (germline): Uncertain significance (1 of 4 stars; one submission).

Submission:

Labcorp Genetics (formerly Invitae), Labcorp
Classification: Uncertain significance. Last evaluated: 2020-12-31. Review status: criteria provided, single submitter. Criteria: Invitae Variant Classification Sherloc (09022015). Collection method: clinical testing. Allele origin: germline.
Comment: This variant is not present in population databases (ExAC no frequency). This sequence change replaces serine with proline at codon 22 of the JAK1 protein (p.Ser22Pro). The serine residue is weakly conserved and there is a moderate physicochemical difference between serine and proline. In summary, the available evidence is currently insufficient to determine the role of this variant in disease. Therefore, it has been classified as a Variant of Uncertain Significance. Algorithms developed to predict the effect of missense changes on protein structure and function are either unavailable or do not agree on the potential impact of this missense change (SIFT: "Not Available"; PolyPhen-2: "Benign"; Align-GVGD: "Not Available"). This variant has not been reported in the literature in individuals with JAK1-related conditions.

NM_002227.4(JAK1):c.64T>C (p.Ser22Pro)

Genes: JAK1 (Janus kinase 1; minus strand), LOC129930680 (ATAC-STARR-seq lymphoblastoid active region 1132; plus strand). Cytogenetic location: 1p31.3.
Variant type: single nucleotide variant.
Coding change: c.64T>C on transcript NM_002227.4 (MANE Select); coding-DNA position 64, T replaced by C.
Protein change: p.Ser22Pro; replaces serine 22 with proline.
Molecular consequence: missense variant.
Genome position (GRCh38, 1-based): chr1:64,883,418, A>G on the plus strand (T>C on the coding strand, the complement: JAK1 is on the minus strand). VCF-style: chr1-64883418-A-G. GRCh37 (hg19) VCF-style: chr1-65349101-A-G.
Other names: c.64T>C, p.Ser22Pro (NM_001320923.2, NM_001321852.2, NM_001321853.2 and 4 more transcripts); short protein forms S22P.
Identifiers: ClinVar variation 1389135 (VCV001389135.6), dbSNP rs2101267269, ClinGen allele CA340713984.